The following is an entry in ClinVar:

NM_001134407.3(GRIN2A):c.92C>T (p.Pro31Leu)

Gene: GRIN2A (glutamate ionotropic receptor NMDA type subunit 2A; minus strand). Cytogenetic location: 16p13.2.
Variant type: single nucleotide variant.
Coding change: c.92C>T on transcript NM_001134407.3 (MANE Select); coding-DNA position 92, C replaced by T.
Protein change: p.Pro31Leu; replaces proline 31 with leucine.
Molecular consequence: missense variant.
Genome position (GRCh38, 1-based): chr16:10,180,320, G>A on the plus strand (C>T on the coding strand, the complement: GRIN2A is on the minus strand). VCF-style: chr16-10180320-G-A. GRCh37 (hg19) VCF-style: chr16-10274177-G-A.
Other names: c.92C>T, p.Pro31Leu (NM_000833.5, NM_001134408.2); short protein forms P31L.
Identifiers: ClinVar variation 1496832 (VCV001496832.8), dbSNP rs2050239798, ClinGen allele CA394715747.

ClinVar aggregate classification (germline): Uncertain significance (1 of 4 stars; one submission).

Conditions:
Landau-Kleffner syndrome (FESD). Also called: EPILEPSY, FOCAL, WITH SPEECH DISORDER AND WITH OR WITHOUT MENTAL RETARDATION; APHASIA, ACQUIRED, WITH EPILEPSY. Identifiers: Orphanet 1945, Orphanet 725, Orphanet 98818, MedGen C0282512, MONDO:0009509, OMIM 245570.

gnomAD v4.1: 1 of 1,610,732 alleles (0.000062%); highest among the groups gnomAD compares: Non-Finnish European, 0.000085%; no homozygotes.

Submission:

Labcorp Genetics (formerly Invitae), Labcorp
Classification: Uncertain significance for Landau-Kleffner syndrome. Last evaluated: 2023-08-17. Review status: criteria provided, single submitter. Criteria: Invitae Variant Classification Sherloc (09022015). Collection method: clinical testing. Allele origin: germline.
Comment: This sequence change replaces proline, which is neutral and non-polar, with leucine, which is neutral and non-polar, at codon 31 of the GRIN2A protein (p.Pro31Leu). In summary, the available evidence is currently insufficient to determine the role of this variant in disease. Therefore, it has been classified as a Variant of Uncertain Significance. Advanced modeling of protein sequence and biophysical properties (such as structural, functional, and spatial information, amino acid conservation, physicochemical variation, residue mobility, and thermodynamic stability) performed at Invitae indicates that this missense variant is not expected to disrupt GRIN2A protein function. ClinVar contains an entry for this variant (Variation ID: 1496832). This variant has not been reported in the literature in individuals affected with GRIN2A-related conditions. This variant is not present in population databases (gnomAD no frequency).